The following is an entry in ClinVar:

ClinVar aggregate classification (germline): Uncertain significance. Review status: criteria provided, multiple submitters, no conflicts (2 of 4 stars). 2 submissions from 2 submitters: Uncertain significance (2). Last evaluated 2026-05-26.

Conditions:
Inborn genetic diseases. Identifiers: MedGen C0950123, MeSH D030342.

Allele frequency attached by ClinVar (database versions not stated): gnomAD exomes below 0.00001.
gnomAD v4.1: 2 of 1,208,455 alleles (0.00017%); highest among the groups gnomAD compares: Admixed American, 0.0044%; no homozygotes.

Submissions (2):

Ambry Genetics
Classification: Uncertain significance for Inborn genetic diseases. Last evaluated: 2026-05-26. Review status: criteria provided, single submitter. Criteria: Ambry Variant Classification Scheme 2023. Collection method: clinical testing. Allele origin: germline.
Comment: The c.5208C>G (p.S1736R) alteration is located in exon 42 (coding exon 39) of the HUWE1 gene. This alteration results from a C to G substitution at nucleotide position 5208, causing the serine (S) at amino acid position 1736 to be replaced by an arginine (R). Based on data from gnomAD, the G allele has an overall frequency of 0.001% (1/178686) total alleles studied. The highest observed frequency was 0.004% (1/26965) of Latino alleles. Based on insufficient or conflicting evidence, the clinical significance of this alteration remains unclear.

GeneDx
Classification: Uncertain significance. Last evaluated: 2022-06-24. Review status: criteria provided, single submitter. Criteria: GeneDx Variant Classification Process June 2021. Collection method: clinical testing. Allele origin: germline. Affected: yes.
Comment: In silico analysis supports that this missense variant does not alter protein structure/function; Has not been previously published as pathogenic or benign to our knowledge

NM_031407.7(HUWE1):c.5208C>G (p.Ser1736Arg)

Gene: HUWE1 (HECT, UBA and WWE domain containing E3 ubiquitin protein ligase 1; minus strand). Cytogenetic location: Xp11.22.
Variant type: single nucleotide variant.
Coding change: c.5208C>G on transcript NM_031407.7 (MANE Select); coding-DNA position 5208, C replaced by G.
Protein change: p.Ser1736Arg; replaces serine 1736 with arginine.
Molecular consequence: missense variant.
Genome position (GRCh38, 1-based): chrX:53,583,870, G>C on the plus strand (C>G on the coding strand, the complement: HUWE1 is on the minus strand). VCF-style: chrX-53583870-G-C. GRCh37 (hg19) VCF-style: chrX-53610830-G-C.
Other names: short protein forms S1736R.
Identifiers: ClinVar variation 1806519 (VCV001806519.2), dbSNP rs1556970494, ClinGen allele CA413174344.